The following is an entry in ClinVar:

ClinVar aggregate classification (germline): Conflicting classifications of pathogenicity. Review status: criteria provided, conflicting classifications (1 of 4 stars). 4 submissions from 4 submitters: Uncertain significance (1); Likely benign (3). Last evaluated 2025-01-02.

Conditions:
Retinitis pigmentosa (RP). Identifiers: Orphanet 791, MedGen C0035334, MeSH D012174, MONDO:0019200, OMIM 268000. Inheritance: Autosomal dominant, autosomal recessive and X linked inheritance.
EYS-related disorder. Also called: EYS-related condition.

Allele frequency attached by ClinVar (database versions not stated): gnomAD exomes 0.00001 and 0.00004; gnomAD 0.00003; TOPMed 0.00004.
gnomAD v4.1: 64 of 1,548,930 alleles (0.0041%); highest among the groups gnomAD compares: African/African-American, 0.0069%; no homozygotes.

Submissions (4):

PreventionGenetics, part of Exact Sciences
Classification: Likely benign for EYS-related condition. Last evaluated: 2025-01-02. Review status: criteria provided, single submitter. Criteria: ACMG Guidelines, 2015. Collection method: clinical testing. Allele origin: germline.
Comment: This variant is classified as likely benign based on ACMG/AMP sequence variant interpretation guidelines (Richards et al. 2015 PMID: 25741868, with internal and published modifications).

Labcorp Genetics (formerly Invitae), Labcorp
Classification: Likely benign. Last evaluated: 2024-10-23. Review status: criteria provided, single submitter. Criteria: Invitae Variant Classification Sherloc (09022015). Collection method: clinical testing. Allele origin: germline.

Blueprint Genetics
Classification: Likely benign. Last evaluated: 2023-09-05. Review status: criteria provided, single submitter. Criteria: ACMG Guidelines, 2015. Collection method: clinical testing. Allele origin: germline.

Illumina Laboratory Services, Illumina
Classification: Uncertain significance for Retinitis pigmentosa. Last evaluated: 2018-01-12. Review status: criteria provided, single submitter. Criteria: ICSL Variant Classification Criteria 13 December 2019. Collection method: clinical testing. Allele origin: germline.

NM_001142800.2(EYS):c.6822C>A (p.Ser2274=)

Gene: EYS (EGF-like photoreceptor maintenance factor; minus strand). Cytogenetic location: 6q12.
Variant type: single nucleotide variant.
Coding change: c.6822C>A on transcript NM_001142800.2 (MANE Select); coding-DNA position 6822, C replaced by A.
Protein change: p.Ser2274=; no amino-acid change (serine 2274 retained).
Molecular consequence: synonymous variant.
Genome position (GRCh38, 1-based): chr6:63,999,087, G>T on the plus strand (C>A on the coding strand, the complement: EYS is on the minus strand). VCF-style: chr6-63999087-G-T. GRCh37 (hg19) VCF-style: chr6-64708980-G-T.
Other names: c.6822C>A, p.Ser2274= (NM_001292009.2).
Identifiers: ClinVar variation 762632 (VCV000762632.16), dbSNP rs1055095941, ClinGen allele CA140268544.